The following is an entry in ClinVar:

ClinVar aggregate classification (germline): Uncertain significance (1 of 4 stars; one submission).

Conditions:
Cognitive impairment with or without cerebellar ataxia (CIAT). Identifiers: MedGen C3280415, MONDO:0013680, OMIM 614306.

Submission:

Baylor Genetics
Classification: Uncertain significance for Cognitive impairment with or without cerebellar ataxia. Last evaluated: 2018-05-30. Review status: criteria provided, single submitter. Criteria: ACMG Guidelines, 2015. Collection method: clinical testing. Allele origin: unknown. Affected: yes.
Comment: This variant was determined to be of uncertain significance according to ACMG Guidelines, 2015 [PMID:25741868].

NM_001330260.2(SCN8A):c.3793T>C (p.Cys1265Arg)

Gene: SCN8A (sodium voltage-gated channel alpha subunit 8; plus strand). Cytogenetic location: 12q13.13.
Variant type: single nucleotide variant.
Coding change: c.3793T>C on transcript NM_001330260.2 (MANE Select); coding-DNA position 3793, T replaced by C.
Protein change: p.Cys1265Arg; replaces cysteine 1265 with arginine.
Molecular consequence: missense variant.
Genome position (GRCh38, 1-based): chr12:51,774,336, T>C. VCF-style: chr12-51774336-T-C. GRCh37 (hg19) VCF-style: chr12-52168120-T-C.
Other names: c.3793T>C, p.Cys1265Arg (NM_001177984.3, NM_001369788.1, NM_014191.4); short protein forms C1265R.
Identifiers: ClinVar variation 1031806 (VCV001031806.1), dbSNP rs1942975434, ClinGen allele CA384899697.